The following is an entry in ClinVar:

NM_000238.4(KCNH2):c.1039C>T (p.Pro347Ser)

Gene: KCNH2 (potassium voltage-gated channel subfamily H member 2; minus strand). Cytogenetic location: 7q36.1.
Variant type: single nucleotide variant.
Coding change: c.1039C>T on transcript NM_000238.4 (MANE Select); coding-DNA position 1039, C replaced by T.
Protein change: p.Pro347Ser; replaces proline 347 with serine.
Molecular consequence: missense variant.
Genome position (GRCh38, 1-based): chr7:150,957,380, G>A on the plus strand (C>T on the coding strand, the complement: KCNH2 is on the minus strand). VCF-style: chr7-150957380-G-A. GRCh37 (hg19) VCF-style: chr7-150654468-G-A.
Other names: p.P347S:CCC>TCC; c.1039C>T (LRG_288t1); c.751C>T, p.Pro251Ser (NM_001406753.1, NM_001406756.1); c.862C>T, p.Pro288Ser (NM_001406755.1); c.739C>T, p.Pro247Ser (NM_001406757.1); c.1039C>T, p.Pro347Ser (NM_172056.3); short protein forms P347S, P247S, P288S, P251S.
Identifiers: ClinVar variation 67163 (VCV000067163.66), dbSNP rs138776684, ClinGen allele CA004184.

ClinVar aggregate classification (germline): Conflicting classifications of pathogenicity. Review status: criteria provided, conflicting classifications (1 of 4 stars). 21 submissions from 21 submitters: Uncertain significance (3); Benign (3); Likely benign (9). 6 of the submissions do not count toward it. Last evaluated 2026-02-02.

Conditions:
KCNH2-related disorder. Also called: KCNH2-related condition; KCNH2-related disorders.
Cardiovascular phenotype. Identifiers: MedGen CN230736.
Cardiac arrhythmia. Also called: Cardiac rhythm disease; Arrhythmia. Identifiers: MedGen C0003811, MONDO:0007263, HP:0011675.
Long QT syndrome (LQTS). Identifiers: MedGen C0023976, MeSH D008133, MONDO:0002442. Disease mechanism: loss of function. Inheritance: Various modes of inheritance.
Long QT syndrome 2 (LQT2). Identifiers: Orphanet 101016, Orphanet 768, MedGen C3150943, MONDO:0013367, OMIM 613688.

Allele frequency attached by ClinVar (database versions not stated): gnomAD 0.00064 and 0.00061; 1000 Genomes Project 30x 0.00078; 1000 Genomes Project 0.00080; gnomAD exomes 0.00106 and 0.00114; ExAC 0.00141; ESP Exome Variant Server 0.00046; TOPMed 0.00057.
gnomAD v4.1: 1,756 of 1,614,000 alleles (0.11%); highest among the groups gnomAD compares: South Asian, 0.28%; 8 homozygotes.

Submissions (21):

Labcorp Genetics (formerly Invitae), Labcorp
Classification: Benign for Long QT syndrome. Last evaluated: 2026-02-02. Review status: criteria provided, single submitter. Criteria: Invitae Variant Classification Sherloc (09022015). Collection method: clinical testing. Allele origin: germline.

CeGaT Center for Human Genetics Tuebingen
Classification: Likely benign. Last evaluated: 2025-11-01. Review status: criteria provided, single submitter. Criteria: CeGaT Center For Human Genetics Tuebingen Variant Classification Criteria Version 2. Collection method: clinical testing. Allele origin: germline. Affected: yes. Observed: 7 variant alleles.
Comment: KCNH2: BP4, BS1

Blueprint Genetics
Classification: Likely benign. Last evaluated: 2024-10-21. Review status: criteria provided, single submitter. Criteria: ACMG Guidelines, 2015. Collection method: clinical testing. Allele origin: germline.

Mayo Clinic Laboratories, Mayo Clinic
Classification: Likely benign. Last evaluated: 2024-08-23. Review status: criteria provided, single submitter. Criteria: ACMG Guidelines, 2015. Collection method: clinical testing. Allele origin: germline. Observed: 4 variant alleles.
Comment: BS1, PP2

Women's Health and Genetics/Laboratory Corporation of America, LabCorp
Classification: Likely benign. Last evaluated: 2022-12-25. Review status: criteria provided, single submitter. Criteria: LabCorp Variant Classification Summary - May 2015. Collection method: clinical testing. Allele origin: germline.

GeneDx
Classification: Likely benign. Last evaluated: 2022-10-05. Review status: criteria provided, single submitter. Criteria: GeneDx Variant Classification Process June 2021. Collection method: clinical testing. Allele origin: germline. Affected: yes.
Comment: See Variant Classification Assertion Criteria.

Mendelics
Classification: Benign for Long QT syndrome 2. Last evaluated: 2019-05-28. Review status: criteria provided, single submitter. Criteria: Mendelics Assertion Criteria 2017. Collection method: clinical testing. Allele origin: unknown.

Ambry Genetics
Classification: Likely benign for Cardiovascular phenotype. Last evaluated: 2018-06-07. Review status: criteria provided, single submitter. Criteria: Ambry Variant Classification Scheme 2023. Collection method: clinical testing. Allele origin: germline.

MVZ Martinsried, Medicover Genetics
Classification: Uncertain significance for Long QT syndrome 2. Last evaluated: 2018-05-17. Review status: criteria provided, single submitter. Criteria: ACMG Guidelines, 2015. Collection method: clinical testing. Allele origin: unknown. Affected: yes.

Color Diagnostics, LLC DBA Color Health
Classification: Likely benign for Arrhythmia. Last evaluated: 2018-03-16. Review status: criteria provided, single submitter. Criteria: ACMG Guidelines, 2015. Collection method: clinical testing. Allele origin: germline.

Illumina Laboratory Services, Illumina
Classification: Uncertain significance for Long QT syndrome 2. Last evaluated: 2017-04-27. Review status: criteria provided, single submitter. Criteria: ICSL Variant Classification Criteria 13 December 2019. Collection method: clinical testing. Allele origin: germline.
Comment: This variant was observed as part of a predisposition screen in an ostensibly healthy population. A literature search was performed for the gene, cDNA change, and amino acid change (where applicable). Publications were found based on this search. However, the evidence from the literature, in combination with allele frequency data from public databases where available, was not sufficient to rule this variant in or out of causing disease. Therefore, this variant is classified as a variant of unknown significance.

Laboratory for Molecular Medicine, Mass General Brigham Personalized Medicine
Classification: Likely benign. Last evaluated: 2017-02-03. Review status: criteria provided, single submitter. Criteria: LMM Criteria. Collection method: clinical testing. Allele origin: germline.
Comment: Variant identified in a genome or exome case(s) and assessed due to predicted null impact of the variant or pathogenic assertions in the literature or databases. Disclaimer: This variant has not undergone full assessment. The following are preliminary notes: This variant is present in HGMD associated to LQTS in 9 papers, with comments suggesting Benign-VUS. It is classified in ClinVar with 1 star as Benign by Stanford and Invitae, Likely benign by Biesecker lab, and VUS by GeneDx and CSER. It has a Max MAF in ExAC of 0.24% (38 South Asian alleles) and in gnomAD of 0.25% (78 South Asian, 21 Ashkenazi, and 160 european alleles).

Institute of Human Genetics, University of Leipzig Medical Center
Classification: Uncertain significance for Long QT syndrome 2. Last evaluated: 2016-11-21. Review status: criteria provided, single submitter. Criteria: ACMG Guidelines, 2015. Collection method: clinical testing. Allele origin: germline. Affected: yes. Observed: 1 variant allele.

Biesecker Lab/Clinical Genomics Section, National Institutes of Health
Classification: Likely benign for Long QT syndrome. Last evaluated: 2013-06-24. Review status: criteria provided, single submitter. Criteria: Ng et al. (Circ Cardiovasc Genet. 2013). Collection method: research. Allele origin: unknown. Observed: 1 variant allele. Study: ClinSeq.
Comment: The study set was not selected for affection status in relation to any cancer. Pathogenicity categories were based on literature curation. See Pubmed ID:23861362 for details.

Medical sequencing

Stanford Center for Inherited Cardiovascular Disease, Stanford University
Classification: Benign. Last evaluated: 2011-07-18. Review status: criteria provided, single submitter. Criteria: ACMG Guidelines, 2015. Collection method: provider interpretation. Allele origin: germline.

PreventionGenetics, part of Exact Sciences
Classification: Likely benign for KCNH2-related condition. Last evaluated: 2022-08-17. Review status: no assertion criteria provided. Collection method: clinical testing. Allele origin: germline. Not counted in ClinVar's aggregate classification.
Comment: This variant is classified as likely benign based on ACMG/AMP sequence variant interpretation guidelines (Richards et al. 2015 PMID: 25741868, with internal and published modifications).

CSER _CC_NCGL, University of Washington
Classification: Uncertain significance for Long QT syndrome. Last evaluated: 2014-06-01. Review status: no assertion criteria provided. Collection method: research. Allele origin: germline. Inheritance: Autosomal dominant inheritance. Study: ESP 6500 variant annotation. Not counted in ClinVar's aggregate classification.
Comment: Variants classified for the Actionable exomic incidental findings in 6503 participants: challenges of variant classification manuscript

Cardiovascular Biomedical Research Unit, Royal Brompton & Harefield NHS Foundation Trust
No classification provided. Review status: no classification provided. Collection method: literature only. Allele origin: germline. Not counted in ClinVar's aggregate classification.
Comment: This variant has been reported in the following publications (PMID:10973849;PMID:12402336;PMID:14661677;PMID:14760488;PMID:16432067;PMID:19841300;PMID:21410720;PMID:22378279).

Clinical Genetics, Academic Medical Center
Classification: Likely benign. Review status: no assertion criteria provided. Collection method: clinical testing. Allele origin: germline. Affected: yes. Study: VKGL Data-share Consensus. Not counted in ClinVar's aggregate classification.

Genome Diagnostics Laboratory, University Medical Center Utrecht
Classification: Likely benign. Review status: no assertion criteria provided. Collection method: clinical testing. Allele origin: germline. Affected: yes. Study: VKGL Data-share Consensus. Not counted in ClinVar's aggregate classification.

Joint Genome Diagnostic Labs from Nijmegen and Maastricht, Radboudumc and MUMC+
Classification: Likely benign. Review status: no assertion criteria provided. Collection method: clinical testing. Allele origin: germline. Affected: yes. Study: VKGL Data-share Consensus. Not counted in ClinVar's aggregate classification.

Literature cited by the submitters: PubMed 10973849 (cited by 3 submitters); PubMed 14760488 (cited by 3 submitters); PubMed 17531263 (cited by Ambry Genetics and Illumina Laboratory Services, Illumina); PubMed 22378279 (cited by 3 submitters); PubMed 23303164 (cited by Ambry Genetics); PubMed 23861362 (cited by Ambry Genetics); PubMed 24055113 (cited by Ambry Genetics); PubMed 25637381 (cited by Ambry Genetics); PubMed 26159999 (cited by Ambry Genetics); PubMed 20486126 (cited by Illumina Laboratory Services, Illumina); PubMed 19673885 (cited by Illumina Laboratory Services, Illumina); PubMed 21410720 (cited by Illumina Laboratory Services, Illumina and Cardiovascular Biomedical Research Unit, Royal Brompton & Harefield NHS Foundation Trust); PubMed 12402336 (cited by Cardiovascular Biomedical Research Unit, Royal Brompton & Harefield NHS Foundation Trust); PubMed 14661677 (cited by Cardiovascular Biomedical Research Unit, Royal Brompton & Harefield NHS Foundation Trust); PubMed 16432067 (cited by Cardiovascular Biomedical Research Unit, Royal Brompton & Harefield NHS Foundation Trust); PubMed 19841300 (cited by Cardiovascular Biomedical Research Unit, Royal Brompton & Harefield NHS Foundation Trust); PubMed 22581653 (cited by Cardiovascular Biomedical Research Unit, Royal Brompton & Harefield NHS Foundation Trust).